The following is an entry in ClinVar:

ClinVar aggregate classification (germline): Benign (1 of 4 stars; one submission).

Allele frequency attached by ClinVar (database versions not stated): 1000 Genomes Project 0.03075; 1000 Genomes Project 30x 0.03107.
gnomAD v4.1: 7,101 of 151,884 alleles (4.7%); highest among the groups gnomAD compares: Middle Eastern, 5.5%; 215 homozygotes.

Submission:

GeneDx
Classification: Benign. Last evaluated: 2018-06-19. Review status: criteria provided, single submitter. Criteria: GeneDx Variant Classification (06012015). Collection method: clinical testing. Allele origin: germline. Affected: yes.
Comment: This variant is considered likely benign or benign based on one or more of the following criteria: it is a conservative change, it occurs at a poorly conserved position in the protein, it is predicted to be benign by multiple in silico algorithms, and/or has population frequency not consistent with disease.

NM_001127222.2(CACNA1A):c.1256-194T>A

Gene: CACNA1A (calcium voltage-gated channel subunit alpha1 A; minus strand). Cytogenetic location: 19p13.13.
Variant type: single nucleotide variant.
Coding change: c.1256-194T>A on transcript NM_001127222.2 (MANE Select); 194 bases into the intron before coding-DNA position 1256, T replaced by A.
Molecular consequence: intron variant.
Genome position (GRCh38, 1-based): chr19:13,330,527, A>T on the plus strand (T>A on the coding strand, the complement: CACNA1A is on the minus strand). VCF-style: chr19-13330527-A-T. GRCh37 (hg19) VCF-style: chr19-13441341-A-T.
Other names: c.1256-191T>A (NM_001127221.2, NM_001174080.2, NM_000068.4 and 1 more transcripts).
Identifiers: ClinVar variation 681336 (VCV000681336.1), dbSNP rs10425460, ClinGen allele CA305536069.
Genomic context (GRCh38, chr19:13,330,527, plus strand): 5'-TCAGATGTGTAAACTGAGGTTCAAGGTGGCACTATCACTTTGCTTAAAGGGGTAAAGACA[A>T]GAATCAAGTCGGGTTCAGTCCGACTCCAGGTCTGGGCCCTCAGCCACTATTTTCCTTCTG-3'